The following is an entry in ClinVar:

NM_000517.6(HBA2):c.96-1G>T

Genes: HBA2 (hemoglobin subunit alpha 2; plus strand), LOC106804612 (hemoglobin subunit alpha 2 recombination region; plus strand). Cytogenetic location: 16p13.3.
Variant type: single nucleotide variant.
Coding change: c.96-1G>T on transcript NM_000517.6 (MANE Select); the canonical splice acceptor site of the intron before coding-DNA position 96, G replaced by T.
Molecular consequence: splice acceptor variant.
Genome position (GRCh38, 1-based): chr16:173,124, G>T. VCF-style: chr16-173124-G-T. GRCh37 (hg19) VCF-style: chr16-223123-G-T.
Identifiers: ClinVar variation 4818684 (VCV004818684.1).

ClinVar aggregate classification (germline): Pathogenic (1 of 4 stars; one submission).

Conditions:
alpha Thalassemia. Also called: Alpha thalassemia spectrum. Identifiers: Orphanet 846, MedGen C0002312, MONDO:0011399, OMIM 604131.

Submission:

Natera, Inc.
Classification: Pathogenic for Alpha thalassemia. Last evaluated: 2024-12-02. Review status: criteria provided, single submitter. Criteria: Natera Variant Classification Schema (03/2026). Collection method: clinical testing. Allele origin: germline.
Comment: The c.96-1G>T variant in HBA2 is a canonical splice acceptor site variant predicted to affect pre-mRNA splicing, which may result in an abnormal transcript and altered protein product. This variant is expected to result in nonsense mediated decay, truncation, or a dysfunctional protein product. This variant is rare in the general population with a frequency below the threshold expected for the associated phenotype(s). Another variant at this same site results in an alteration predicted to cause a similar molecular effect has been observed in individual(s) with the associated phenotype. Given the available evidence, this variant is classified as Pathogenic.